The following is an entry in ClinVar:

ClinVar aggregate classification (germline): Uncertain significance. Review status: criteria provided, multiple submitters, no conflicts (2 of 4 stars). 2 submissions from 2 submitters: Uncertain significance (2). Last evaluated 2025-09-20.

Conditions:
Neurofibromatosis, type 1 (NF1). Also called: Peripheral type neurofibromatosis; VON RECKLINGHAUSEN DISEASE; NEUROFIBROMATOSIS, TYPE I, SOMATIC; Neurofibromatosis, type I. Identifiers: Orphanet 636, MedGen C0027831, MONDO:0018975, OMIM 162200. Disease mechanism: loss of function.
Cardiovascular phenotype. Identifiers: MedGen CN230736.
Hereditary cancer-predisposing syndrome. Also called: Neoplastic Syndromes, Hereditary; Tumor predisposition; Hereditary neoplastic syndrome; Hereditary Cancer Syndrome. Identifiers: Orphanet 140162, MedGen C0027672, MeSH D009386, MONDO:0015356.

Submissions (2):

Labcorp Genetics (formerly Invitae), Labcorp
Classification: Uncertain significance for Neurofibromatosis, type 1. Last evaluated: 2025-09-20. Review status: criteria provided, single submitter. Criteria: Invitae Variant Classification Sherloc (09022015). Collection method: clinical testing. Allele origin: germline.
Comment: This sequence change replaces threonine, which is neutral and polar, with isoleucine, which is neutral and non-polar, at codon 317 of the NF1 protein (p.Thr317Ile). This variant is not present in population databases (gnomAD no frequency). This variant has not been reported in the literature in individuals affected with NF1-related conditions. ClinVar contains an entry for this variant (Variation ID: 1767216). Invitae Evidence Modeling of protein sequence and biophysical properties (such as structural, functional, and spatial information, amino acid conservation, physicochemical variation, residue mobility, and thermodynamic stability) indicates that this missense variant is not expected to disrupt NF1 protein function with a negative predictive value of 95%. In summary, the available evidence is currently insufficient to determine the role of this variant in disease. Therefore, it has been classified as a Variant of Uncertain Significance.

Ambry Genetics
Classification: Uncertain significance for Cardiovascular phenotype; Hereditary cancer-predisposing syndrome. Last evaluated: 2022-04-10. Review status: criteria provided, single submitter. Criteria: Ambry Variant Classification Scheme 2023. Collection method: clinical testing. Allele origin: germline.
Comment: The p.T317I variant (also known as c.950C>T), located in coding exon 9 of the NF1 gene, results from a C to T substitution at nucleotide position 950. The threonine at codon 317 is replaced by isoleucine, an amino acid with similar properties. This amino acid position is conserved. In addition, this alteration is predicted to be tolerated by in silico analysis. Since supporting evidence is limited at this time, the clinical significance of this alteration remains unclear.

NM_001042492.3(NF1):c.950C>T (p.Thr317Ile)

Gene: NF1 (neurofibromin 1; plus strand). Cytogenetic location: 17q11.2.
Variant type: single nucleotide variant.
Coding change: c.950C>T on transcript NM_001042492.3 (MANE Select); coding-DNA position 950, C replaced by T.
Protein change: p.Thr317Ile; replaces threonine 317 with isoleucine.
Molecular consequence: missense variant.
Genome position (GRCh38, 1-based): chr17:31,200,483, C>T. VCF-style: chr17-31200483-C-T. GRCh37 (hg19) VCF-style: chr17-29527501-C-T.
Other names: c.950C>T, p.Thr317Ile (NM_000267.4, NM_001128147.3); short protein forms T317I.
Identifiers: ClinVar variation 1767216 (VCV001767216.7), dbSNP rs2143872884, ClinGen allele CA398995832.
Genomic context (GRCh38, chr17:31,200,483, plus strand): 5'-AGTTATTTCTGGACAGTCTACGAAAAGCTCTTGCTGGCCATGGAGGAAGTAGGCAGCTGA[C>T]AGAAAGTGCTGCAATTGCCTGTGTCAAACTGTGTAAAGCAAGTACTTACATCAATTGGGA-3'
Protein context (NP_001035957.1, residues 307-327): LAGHGGSRQL[Thr317Ile]ESAAIACVKL